The following is an entry in ClinVar:

ClinVar aggregate classification (germline): Uncertain significance. Review status: criteria provided, multiple submitters, no conflicts (2 of 4 stars). 2 submissions from 2 submitters: Uncertain significance (2). Last evaluated 2024-09-28.

Conditions:
Ataxia-telangiectasia syndrome (AT). Also called: LOUIS-BAR SYNDROME; Cerebello-oculocutaneous telangiectasia; Immunodeficiency with ataxia telangiectasia; Ataxia telangiectasia (A-T); Ataxia-telangiectasia, complementation group D; AT, COMPLEMENTATION GROUP C. Identifiers: Orphanet 100, MedGen C0004135, MONDO:0008840, OMIM 208900.
Hereditary cancer-predisposing syndrome. Also called: Neoplastic Syndromes, Hereditary; Tumor predisposition; Hereditary Cancer Syndrome; Hereditary neoplastic syndrome. Identifiers: Orphanet 140162, MedGen C0027672, MeSH D009386, MONDO:0015356.

Submissions (2):

Labcorp Genetics (formerly Invitae), Labcorp
Classification: Uncertain significance for Ataxia-telangiectasia syndrome. Last evaluated: 2024-09-28. Review status: criteria provided, single submitter. Criteria: Invitae Variant Classification Sherloc (09022015). Collection method: clinical testing. Allele origin: germline.
Comment: This sequence change replaces glycine, which is neutral and non-polar, with aspartic acid, which is acidic and polar, at codon 2922 of the ATM protein (p.Gly2922Asp). This variant is not present in population databases (gnomAD no frequency). This variant has not been reported in the literature in individuals affected with ATM-related conditions. ClinVar contains an entry for this variant (Variation ID: 1474232). An algorithm developed to predict the effect of missense changes on protein structure and function (PolyPhen-2) suggests that this variant is likely to be disruptive. In summary, the available evidence is currently insufficient to determine the role of this variant in disease. Therefore, it has been classified as a Variant of Uncertain Significance.

Ambry Genetics
Classification: Uncertain significance for Hereditary cancer-predisposing syndrome. Last evaluated: 2021-01-11. Review status: criteria provided, single submitter. Criteria: Ambry Variant Classification Scheme 2023. Collection method: clinical testing. Allele origin: germline.
Comment: The p.G2922D variant (also known as c.8765G>A), located in coding exon 59 of the ATM gene, results from a G to A substitution at nucleotide position 8765. The glycine at codon 2922 is replaced by aspartic acid, an amino acid with similar properties. This amino acid position is highly conserved in available vertebrate species. In addition, this alteration is predicted to be deleterious by in silico analysis. Since supporting evidence is limited at this time, the clinical significance of this alteration remains unclear.

NM_000051.4(ATM):c.8765G>A (p.Gly2922Asp)

Genes: ATM (ATM serine/threonine kinase; plus strand), C11orf65 (chromosome 11 open reading frame 65; minus strand). Cytogenetic location: 11q22.3.
Variant type: single nucleotide variant.
Coding change: c.8765G>A on transcript NM_000051.4 (MANE Select); coding-DNA position 8765, G replaced by A.
Protein change: p.Gly2922Asp; replaces glycine 2922 with aspartic acid.
Molecular consequence: missense variant. On other transcripts: intron variant (2).
Genome position (GRCh38, 1-based): chr11:108,353,859, G>A. VCF-style: chr11-108353859-G-A. GRCh37 (hg19) VCF-style: chr11-108224586-G-A.
Other names: c.8765G>A, p.Gly2922Asp (NM_001351834.2); c.640+32061C>T (NM_001330368.2); c.695-18567C>T (NM_001351110.2); short protein forms G2922D.
Identifiers: ClinVar variation 1474232 (VCV001474232.10), dbSNP rs2089517173, ClinGen allele CA382524184.
Genomic context (GRCh38, chr11:108,353,859, plus strand): 5'-CTCCTGAGACAGTTCCTTTTAGACTCACCAGAGATATTGTGGATGGCATGGGCATTACGG[G>A]TGTTGAAGGTGTCTTCAGAAGGTAAGTGATATGAAGTAAAGGAGGGAAATAATTTTTGAT-3'
Protein context (NP_000042.3, residues 2912-2932): RDIVDGMGIT[Gly2922Asp]VEGVFRRCCE